The following is an entry in ClinVar:

GRCh38/hg38 11q23.3-25(chr11:120738203-135064169)x1

Genes: ETS1-AS1 (ETS1 antisense RNA 1; plus strand), FEZ1 (fasciculation and elongation protein zeta 1; minus strand), FLI1 (Fli-1 proto-oncogene, ETS transcription factor; plus strand), FOXRED1 (FAD dependent oxidoreductase domain containing 1; plus strand), FYRD1 (FYRN and FYRC domains INO80 complex interactor 1; plus strand) and 496 more. Cytogenetic location: 11q23.3-25.
Variant type: copy number loss.
Change: copy number 1 (one copy instead of two) of chr11:120,738,203-135,064,169 (14.33 Mb, GRCh38 coordinates, 1-based), cytogenetic band 11q23.3-25.
Identifiers: ClinVar variation 4890935 (VCV004890935.1).

ClinVar aggregate classification (germline): Pathogenic (1 of 4 stars; one submission).

Submission:

Clinical Genomics Laboratory, Laboratory for Precision Diagnostics, University of Washington
Classification: Pathogenic. Last evaluated: 2023-05-31. Review status: criteria provided, single submitter. Criteria: ACMG/ClinGen CNV Guidelines, 2019. Collection method: clinical testing. Allele origin: unknown. Affected: yes. Observed: 1 variant allele.
Comment: This terminal deletion is approximately 14.3 Mb in size and contains 108 protein-coding genes, including ETS1 and FLI1. Terminal deletions of 11q cause Jacobsen syndrome.

Literature cited by the submitters: PubMed 31895838; PubMed 26285164; PubMed 15266616; PubMed 23586500; PubMed 7887422.